The following is an entry in ClinVar:

NM_001457.4(FLNB):c.4406T>G (p.Val1469Gly)

Gene: FLNB (filamin B; plus strand). Cytogenetic location: 3p14.3.
Variant type: single nucleotide variant.
Coding change: c.4406T>G on transcript NM_001457.4 (MANE Select); coding-DNA position 4406, T replaced by G.
Protein change: p.Val1469Gly; replaces valine 1469 with glycine.
Molecular consequence: missense variant.
Genome position (GRCh38, 1-based): chr3:58,132,823, T>G. VCF-style: chr3-58132823-T-G. GRCh37 (hg19) VCF-style: chr3-58118550-T-G.
Other names: c.4499T>G, p.Val1500Gly (NM_001164317.2); c.4406T>G, p.Val1469Gly (NM_001164318.2, NM_001164319.2); short protein forms V1500G, V1469G.
Identifiers: ClinVar variation 1471708 (VCV001471708.6), dbSNP rs2107212114, ClinGen allele CA353351198.

ClinVar aggregate classification (germline): Uncertain significance (1 of 4 stars; one submission).

Allele frequency attached by ClinVar (database versions not stated): gnomAD exomes below 0.00001.
gnomAD v4.1: 1 of 1,614,168 alleles (0.000062%); highest among the groups gnomAD compares: Non-Finnish European, 0.000085%; no homozygotes.

Submission:

Labcorp Genetics (formerly Invitae), Labcorp
Classification: Uncertain significance. Last evaluated: 2025-08-11. Review status: criteria provided, single submitter. Criteria: Invitae Variant Classification Sherloc (09022015). Collection method: clinical testing. Allele origin: germline.
Comment: This sequence change replaces valine, which is neutral and non-polar, with glycine, which is neutral and non-polar, at codon 1469 of the FLNB protein (p.Val1469Gly). This variant is not present in population databases (gnomAD no frequency). This variant has not been reported in the literature in individuals affected with FLNB-related conditions. ClinVar contains an entry for this variant (Variation ID: 1471708). Invitae Evidence Modeling of protein sequence and biophysical properties (such as structural, functional, and spatial information, amino acid conservation, physicochemical variation, residue mobility, and thermodynamic stability) has been performed for this missense variant. However, the output from this modeling did not meet the statistical confidence thresholds required to predict the impact of this variant on FLNB protein function. In summary, the available evidence is currently insufficient to determine the role of this variant in disease. Therefore, it has been classified as a Variant of Uncertain Significance.